The following is an entry in ClinVar:

NM_001813.3(CENPE):c.2167A>G (p.Thr723Ala)

Gene: CENPE (centromere protein E; minus strand). Cytogenetic location: 4q24.
Variant type: single nucleotide variant.
Coding change: c.2167A>G on transcript NM_001813.3 (MANE Select); coding-DNA position 2167, A replaced by G.
Protein change: p.Thr723Ala; replaces threonine 723 with alanine.
Molecular consequence: missense variant.
Genome position (GRCh38, 1-based): chr4:103,160,744, T>C on the plus strand (A>G on the coding strand, the complement: CENPE is on the minus strand). VCF-style: chr4-103160744-T-C. GRCh37 (hg19) VCF-style: chr4-104081901-T-C.
Other names: c.2092A>G, p.Thr698Ala (NM_001286734.2); short protein forms T698A, T723A.
Identifiers: ClinVar variation 1703883 (VCV001703883.2), dbSNP rs972918197, ClinGen allele CA102740888.

ClinVar aggregate classification (germline): Uncertain significance (1 of 4 stars; one submission).

Allele frequency attached by ClinVar (database versions not stated): gnomAD 0.00001; TOPMed 0.00001; gnomAD exomes 0.00003.
gnomAD v4.1: 45 of 1,605,584 alleles (0.0028%); highest among the groups gnomAD compares: Non-Finnish European, 0.0036%; no homozygotes.

Submission:

GeneDx
Classification: Uncertain significance. Last evaluated: 2022-03-01. Review status: criteria provided, single submitter. Criteria: GeneDx Variant Classification Process June 2021. Collection method: clinical testing. Allele origin: germline. Affected: yes.
Comment: Not observed at significant frequency in large population cohorts (gnomAD); In silico analysis supports that this missense variant does not alter protein structure/function; Has not been previously published as pathogenic or benign to our knowledge